The following is an entry in ClinVar:

ClinVar aggregate classification (germline): Uncertain significance (1 of 4 stars; one submission).

gnomAD v4.1: 1 of 1,614,072 alleles (0.000062%); highest among the groups gnomAD compares: Non-Finnish European, 0.000085%; no homozygotes.

Submission:

Labcorp Genetics (formerly Invitae), Labcorp
Classification: Uncertain significance. Last evaluated: 2024-02-01. Review status: criteria provided, single submitter. Criteria: Invitae Variant Classification Sherloc (09022015). Collection method: clinical testing. Allele origin: germline.
Comment: This sequence change replaces histidine, which is basic and polar, with proline, which is neutral and non-polar, at codon 1848 of the SCN3A protein (p.His1848Pro). This variant is not present in population databases (gnomAD no frequency). This variant has not been reported in the literature in individuals affected with SCN3A-related conditions. Advanced modeling of protein sequence and biophysical properties (such as structural, functional, and spatial information, amino acid conservation, physicochemical variation, residue mobility, and thermodynamic stability) performed at Invitae indicates that this missense variant is expected to disrupt SCN3A protein function with a positive predictive value of 80%. In summary, the available evidence is currently insufficient to determine the role of this variant in disease. Therefore, it has been classified as a Variant of Uncertain Significance.

NM_006922.4(SCN3A):c.5543A>C (p.His1848Pro)

Gene: SCN3A (sodium voltage-gated channel alpha subunit 3; minus strand). Cytogenetic location: 2q24.3.
Variant type: single nucleotide variant.
Coding change: c.5543A>C on transcript NM_006922.4 (MANE Select); coding-DNA position 5543, A replaced by C.
Protein change: p.His1848Pro; replaces histidine 1848 with proline.
Molecular consequence: missense variant.
Genome position (GRCh38, 1-based): chr2:165,090,610, T>G on the plus strand (A>C on the coding strand, the complement: SCN3A is on the minus strand). VCF-style: chr2-165090610-T-G. GRCh37 (hg19) VCF-style: chr2-165947120-T-G.
Other names: c.5396A>C, p.His1799Pro (NM_001081676.2, NM_001081677.2); short protein forms H1848P, H1799P.
Identifiers: ClinVar variation 3637963 (VCV003637963.2).